The following is an entry in ClinVar:

ClinVar aggregate classification (germline): Benign/Likely benign. Review status: criteria provided, multiple submitters, no conflicts (2 of 4 stars). 6 submissions from 6 submitters: Benign (5); Likely benign (1). Last evaluated 2026-02-02.

Allele frequency attached by ClinVar (database versions not stated): 1000 Genomes Project 30x 0.00281; 1000 Genomes Project 0.00339; TOPMed 0.00941; gnomAD 0.01038 and 0.01052; ESP Exome Variant Server 0.01080; gnomAD exomes 0.01112; ExAC 0.01944.
gnomAD v4.1: 23,817 of 1,525,754 alleles (1.6%); highest among the groups gnomAD compares: Non-Finnish European, 1.9%; 232 homozygotes.

Submissions (6):

Labcorp Genetics (formerly Invitae), Labcorp
Classification: Benign. Last evaluated: 2026-02-02. Review status: criteria provided, single submitter. Criteria: Invitae Variant Classification Sherloc (09022015). Collection method: clinical testing. Allele origin: germline.

Blueprint Genetics
Classification: Likely benign. Last evaluated: 2024-11-27. Review status: criteria provided, single submitter. Criteria: ACMG Guidelines, 2015. Collection method: clinical testing. Allele origin: germline.

Mayo Clinic Laboratories, Mayo Clinic
Classification: Benign. Last evaluated: 2023-09-27. Review status: criteria provided, single submitter. Criteria: ACMG Guidelines, 2015. Collection method: clinical testing. Allele origin: germline. Observed: 9 variant alleles.
Comment: BS1, BS2, BP4, BP7

Laboratory for Molecular Medicine, Mass General Brigham Personalized Medicine
Classification: Benign. Last evaluated: 2013-02-21. Review status: criteria provided, single submitter. Criteria: LMM Criteria. Collection method: clinical testing. Allele origin: germline. Observed: 1 variant allele.
Comment: Arg48Arg in exon 2 of BLOC1S3: This variant is not expected to have clinical sig nificance because it does not alter an amino acid residue and is not located wit hin the splice consensus sequence. It has been identified in 1.4% (108/7706) of European American chromosomes from a broad population by the NHLBI Exome Sequenc ing Project (dbSNP rs182286598).

Breakthrough Genomics
Classification: Benign. Review status: criteria provided, single submitter. Criteria: ACMG Guidelines, 2015. Collection method: not provided. Allele origin: germline. Inheritance: Autosomal recessive inheritance. Affected: yes.

PreventionGenetics, part of Exact Sciences
Classification: Benign. Review status: criteria provided, single submitter. Criteria: ACMG Guidelines, 2015. Collection method: clinical testing. Allele origin: germline.

NM_212550.5(BLOC1S3):c.144C>A (p.Arg48=)

Gene: BLOC1S3 (biogenesis of lysosomal organelles complex 1 subunit 3; plus strand). Cytogenetic location: 19q13.32.
Variant type: single nucleotide variant.
Coding change: c.144C>A on transcript NM_212550.5 (MANE Select); coding-DNA position 144, C replaced by A.
Protein change: p.Arg48=; no amino-acid change (arginine 48 retained).
Molecular consequence: synonymous variant.
Genome position (GRCh38, 1-based): chr19:45,179,440, C>A. VCF-style: chr19-45179440-C-A. GRCh37 (hg19) VCF-style: chr19-45682698-C-A.
Other names: p.Arg48=.
Identifiers: ClinVar variation 226463 (VCV000226463.16), dbSNP rs182286598, ClinGen allele CA9510229.